The following is an entry in ClinVar:

NM_002662.5(PLD1):c.1504C>T (p.Arg502Trp)

Gene: PLD1 (phospholipase D1; minus strand). Cytogenetic location: 3q26.31.
Variant type: single nucleotide variant.
Coding change: c.1504C>T on transcript NM_002662.5 (MANE Select); coding-DNA position 1504, C replaced by T.
Protein change: p.Arg502Trp; replaces arginine 502 with tryptophan.
Molecular consequence: missense variant.
Genome position (GRCh38, 1-based): chr3:171,688,711, G>A on the plus strand (C>T on the coding strand, the complement: PLD1 is on the minus strand). VCF-style: chr3-171688711-G-A. GRCh37 (hg19) VCF-style: chr3-171406501-G-A.
Other names: p.Arg502Trp; c.1504C>T, p.Arg502Trp (NM_001130081.3); short protein forms R502W.
Identifiers: ClinVar variation 2072973 (VCV002072973.2), dbSNP rs80085541, ClinGen allele CA2704606.

ClinVar aggregate classification (germline): Uncertain significance. Review status: criteria provided, multiple submitters, no conflicts (2 of 4 stars). 2 submissions from 2 submitters: Uncertain significance (2). Last evaluated 2025-08-08.

Allele frequency attached by ClinVar (database versions not stated): ExAC 0.00011; TOPMed 0.00017; gnomAD exomes 0.00014; gnomAD 0.00016.
gnomAD v4.1: 251 of 1,614,014 alleles (0.016%); highest among the groups gnomAD compares: East Asian, 0.038%; no homozygotes.

Submissions (2):

Mayo Clinic Laboratories, Mayo Clinic
Classification: Uncertain significance. Last evaluated: 2025-08-08. Review status: criteria provided, single submitter. Criteria: ACMG Guidelines, 2015. Collection method: clinical testing. Allele origin: germline. Observed: 1 variant allele.
Comment: BP4

Labcorp Genetics (formerly Invitae), Labcorp
Classification: Uncertain significance. Last evaluated: 2022-05-30. Review status: criteria provided, single submitter. Criteria: Invitae Variant Classification Sherloc (09022015). Collection method: clinical testing. Allele origin: germline.
Comment: This sequence change replaces arginine, which is basic and polar, with tryptophan, which is neutral and slightly polar, at codon 502 of the PLD1 protein (p.Arg502Trp). This variant is present in population databases (rs80085541, gnomAD 0.08%). This variant has not been reported in the literature in individuals affected with PLD1-related conditions. Algorithms developed to predict the effect of missense changes on protein structure and function are either unavailable or do not agree on the potential impact of this missense change (SIFT: "Deleterious"; PolyPhen-2: "Possibly Damaging"; Align-GVGD: "Class C0"). Algorithms developed to predict the effect of sequence changes on RNA splicing suggest that this variant may create or strengthen a splice site. In summary, the available evidence is currently insufficient to determine the role of this variant in disease. Therefore, it has been classified as a Variant of Uncertain Significance.

Literature cited by the submitters: PubMed 36999085 (cited by Mayo Clinic Laboratories, Mayo Clinic).